The following is an entry in ClinVar:

ClinVar aggregate classification (germline): Benign/Likely benign. Review status: criteria provided, multiple submitters, no conflicts (2 of 4 stars). 9 submissions from 9 submitters: Benign (7); Likely benign (2). Last evaluated 2026-02-04.

Conditions:
Immunodeficiency, common variable, 7. Identifiers: Orphanet 1572, Orphanet 696894, MedGen C3542922, MONDO:0013862, OMIM 614699.

Allele frequency attached by ClinVar (database versions not stated): 1000 Genomes Project 0.25839; gnomAD exomes 0.26082 and 0.30302; 1000 Genomes Project 30x 0.26499; ExAC 0.27045; gnomAD 0.30264 and 0.30786; TOPMed 0.30520; ESP Exome Variant Server 0.33738.

Submissions (9):

Labcorp Genetics (formerly Invitae), Labcorp
Classification: Benign for Immunodeficiency, common variable, 7. Last evaluated: 2026-02-04. Review status: criteria provided, single submitter. Criteria: Invitae Variant Classification Sherloc (09022015). Collection method: clinical testing. Allele origin: germline.

Women's Health and Genetics/Laboratory Corporation of America, LabCorp
Classification: Likely benign. Last evaluated: 2026-01-21. Review status: criteria provided, single submitter. Criteria: LabCorp Variant Classification Summary - May 2015. Collection method: clinical testing. Allele origin: germline.

Blueprint Genetics
Classification: Likely benign. Last evaluated: 2024-11-26. Review status: criteria provided, single submitter. Criteria: ACMG Guidelines, 2015. Collection method: clinical testing. Allele origin: germline.

Unidad de Genómica Garrahan, Hospital de Pediatría Garrahan
Classification: Benign. Last evaluated: 2024-01-24. Review status: criteria provided, single submitter. Criteria: ACMG Guidelines, 2015. Collection method: clinical testing. Allele origin: germline. Affected: no. Observed: 32 variant alleles.
Comment: This variant is classified as Benign based on local population frequency. This variant was detected in 34% of patients studied by a panel of primary immunodeficiencies. Number of patients: 32. Only high quality variants are reported.

Genome-Nilou Lab
Classification: Benign for Immunodeficiency, common variable, 7. Last evaluated: 2021-07-30. Review status: criteria provided, single submitter. Criteria: ACMG Guidelines, 2015. Collection method: clinical testing. Allele origin: germline. Affected: no.

GeneDx
Classification: Benign. Last evaluated: 2018-11-10. Review status: criteria provided, single submitter. Criteria: GeneDx Variant Classification Process June 2021. Collection method: clinical testing. Allele origin: germline. Affected: yes.

Mayo Clinic Laboratories, Mayo Clinic
Classification: Benign. Last evaluated: 2018-05-16. Review status: criteria provided, single submitter. Criteria: ACMG Guidelines, 2015. Collection method: clinical testing. Allele origin: germline. Observed: 65 variant alleles.

Laboratory for Molecular Medicine, Mass General Brigham Personalized Medicine
Classification: Benign. Last evaluated: 2016-03-28. Review status: criteria provided, single submitter. Criteria: LMM Criteria. Collection method: clinical testing. Allele origin: germline.
Comment: Variant identified in a genome or exome case(s) and assessed due to predicted null impact of the variant or pathogenic assertions in the literature or databases. Disclaimer: This variant has not undergone full assessment. The following are preliminary notes: Frequency

Breakthrough Genomics
Classification: Benign. Review status: criteria provided, single submitter. Criteria: ACMG Guidelines, 2015. Collection method: not provided. Allele origin: germline. Inheritance: Autosomal recessive inheritance. Affected: yes.

NM_001006658.3(CR2):c.1916G>A (p.Ser639Asn)

Gene: CR2 (complement C3d receptor 2; plus strand). Cytogenetic location: 1q32.2.
Variant type: single nucleotide variant.
Coding change: c.1916G>A on transcript NM_001006658.3 (MANE Select); coding-DNA position 1916, G replaced by A.
Protein change: p.Ser639Asn; replaces serine 639 with asparagine.
Molecular consequence: missense variant.
Genome position (GRCh38, 1-based): chr1:207,473,117, G>A. VCF-style: chr1-207473117-G-A. GRCh37 (hg19) VCF-style: chr1-207646462-G-A.
Other names: c.1916G>A, p.Ser639Asn (NM_001877.5); short protein forms S639N.
Identifiers: ClinVar variation 402559 (VCV000402559.22), dbSNP rs17615, ClinGen allele CA1368823.